The following is an entry in ClinVar:

NM_005475.3(SH2B3):c.596C>T (p.Ala199Val)

Gene: SH2B3 (SH2B adaptor protein 3; plus strand). Cytogenetic location: 12q24.12.
Variant type: single nucleotide variant.
Coding change: c.596C>T on transcript NM_005475.3 (MANE Select); coding-DNA position 596, C replaced by T.
Protein change: p.Ala199Val; replaces alanine 199 with valine.
Molecular consequence: missense variant.
Genome position (GRCh38, 1-based): chr12:111,418,741, C>T. VCF-style: chr12-111418741-C-T. GRCh37 (hg19) VCF-style: chr12-111856545-C-T.
Other names: short protein forms A199V.
Identifiers: ClinVar variation 4630721 (VCV004630721.1).

ClinVar aggregate classification (germline): Uncertain significance (1 of 4 stars; one submission).

Conditions:
Inborn genetic diseases. Identifiers: MedGen C0950123, MeSH D030342.

gnomAD v4.1: 3 of 1,483,344 alleles (0.0002%); highest among the groups gnomAD compares: African/African-American, 0.0015%; no homozygotes.

Submission:

Ambry Genetics
Classification: Uncertain significance for Inborn genetic diseases. Last evaluated: 2025-10-19. Review status: criteria provided, single submitter. Criteria: Ambry Variant Classification Scheme 2023. Collection method: clinical testing. Allele origin: germline.
Comment: The p.A199V variant (also known as c.596C>T), located in coding exon 1 of the SH2B3 gene, results from a C to T substitution at nucleotide position 596. The alanine at codon 199 is replaced by valine, an amino acid with similar properties. This amino acid position is conserved. In addition, this alteration is predicted to be tolerated by in silico analysis. Based on the available evidence, the clinical significance of this variant remains unclear.